The following is an entry in ClinVar:

NM_001267550.2(TTN):c.65275+20del

Genes: TTN (titin; minus strand), TTN-AS1 (TTN antisense RNA 1; plus strand). Cytogenetic location: 2q31.2.
Variant type: Deletion.
Coding change: c.65275+20del on transcript NM_001267550.2 (MANE Select); 20 bases into the intron after coding-DNA position 65275, one base deleted (T; older notation c.65275+20delT).
Molecular consequence: intron variant.
Genome position (GRCh38, 1-based): chr2:178,584,256, A deleted on the plus strand (T on the coding strand, the reverse complement: TTN is on the minus strand); the first of 7 consecutive A bases (chr2:178,584,256-178,584,262); deleting any one gives the same sequence. VCF-style (leftmost placement, unchanged base first): chr2-178584255-TA-T. GRCh37 (hg19) VCF-style: chr2-179448982-TA-T.
Other names: c.60352+20delT (NM_001256850.1); c.38080+20del (NM_003319.4); c.38656+20del (NM_133437.4); c.38455+20del (NM_133432.3); c.57571+20del (NM_133378.4); c.60352+20del (NM_001256850.1).
Identifiers: ClinVar variation 515419 (VCV000515419.9), dbSNP rs747219831, ClinGen allele CA1991749.

ClinVar aggregate classification (germline): Benign/Likely benign. Review status: criteria provided, multiple submitters, no conflicts (2 of 4 stars). 2 submissions from 2 submitters: Benign (1); Likely benign (1). Last evaluated 2025-12-27.

Conditions:
Autosomal recessive limb-girdle muscular dystrophy type 2J (LGMDR10). Also called: MUSCULAR DYSTROPHY, LIMB-GIRDLE, AUTOSOMAL RECESSIVE 10; Limb-girdle muscular dystrophy, type 2J. Identifiers: Orphanet 140922, MedGen C1837342, MONDO:0012127, OMIM 608807.
Dilated cardiomyopathy 1G (CMD1G). Identifiers: Orphanet 154, MedGen C1858763, MONDO:0011400, OMIM 604145.

Submissions (2):

Labcorp Genetics (formerly Invitae), Labcorp
Classification: Benign for Dilated cardiomyopathy 1G; Autosomal recessive limb-girdle muscular dystrophy type 2J. Last evaluated: 2025-12-27. Review status: criteria provided, single submitter. Criteria: Invitae Variant Classification Sherloc (09022015). Collection method: clinical testing. Allele origin: germline.

GeneDx
Classification: Likely benign. Last evaluated: 2018-02-08. Review status: criteria provided, single submitter. Criteria: GeneDx Variant Classification (06012015). Collection method: clinical testing. Allele origin: germline. Affected: yes.
Comment: This variant is considered likely benign or benign based on one or more of the following criteria: it is a conservative change, it occurs at a poorly conserved position in the protein, it is predicted to be benign by multiple in silico algorithms, and/or has population frequency not consistent with disease.